The following is an entry in ClinVar:

ClinVar aggregate classification (germline): Pathogenic (1 of 4 stars; one submission).

Conditions:
Hereditary breast ovarian cancer syndrome. Also called: Hereditary breast and ovarian cancer syndrome (HBOC); BRCA1- and BRCA2-Associated Hereditary Breast and Ovarian Cancer; Hereditary breast and ovarian cancer syndrome; Breast and ovarian cancer; Hereditary breast and ovarian cancer; Hereditary breast and/or ovarian cancer syndrome. Identifiers: Orphanet 145, MedGen C0677776, MeSH D061325, MONDO:0003582. Disease mechanism: loss of function.

Submission:

Labcorp Genetics (formerly Invitae), Labcorp
Classification: Pathogenic for Hereditary breast ovarian cancer syndrome. Last evaluated: 2017-12-10. Review status: criteria provided, single submitter. Criteria: Invitae Variant Classification Sherloc (09022015). Collection method: clinical testing. Allele origin: germline.
Comment: Loss-of-function variants in BRCA1 are known to be pathogenic (PMID: 20104584). For these reasons, this variant has been classified as Pathogenic. This variant has not been reported in the literature in individuals with BRCA1-related disease. This variant is not present in population databases (ExAC no frequency). This sequence change creates a premature translational stop signal (p.Thr1720Serfs*6) in the BRCA1 gene. It is expected to result in an absent or disrupted protein product.

Literature cited by the submitters: PubMed 20104584.

NM_007294.4(BRCA1):c.5155_5158dup (p.Thr1720fs)

Gene: BRCA1 (BRCA1 DNA repair associated; minus strand). Cytogenetic location: 17q21.31.
Variant type: Duplication.
Coding change: c.5155_5158dup on transcript NM_007294.4 (MANE Select); coding-DNA positions 5155 to 5158, 4 bases duplicated (GTGA; older notation c.5155_5158dupGTGA).
Protein change: p.Thr1720fs; shifts the reading frame from threonine 1720.
Molecular consequence: frameshift variant. On other transcripts: non-coding transcript variant (1).
Genome position (GRCh38, 1-based): chr17:43,063,368-43,063,371, TCAC duplicated on the plus strand (GTGA on the coding strand, the reverse complement: BRCA1 is on the minus strand). VCF-style (leftmost placement, unchanged base first): chr17-43063367-G-GTCAC. GRCh37 (hg19) VCF-style: chr17-41215384-G-GTCAC.
Other names: c.5029_5032dup, p.Thr1678Serfs (NM_001407674.1, NM_001407675.1, NM_001407676.1 and 10 more transcripts); c.5008_5011dup, p.Thr1671Serfs (NM_001407841.1, NM_001407839.1, NM_001407842.1 and 12 more transcripts); c.1720_1723dup, p.Thr575Serfs (NM_001408442.1, NM_001408443.1, NM_001408444.1 and 10 more transcripts); c.1717_1720dup, p.Thr574Serfs (NM_001408445.1, NM_001408450.1, NM_001408446.1 and 2 more transcripts); c.5026_5029dup, p.Thr1677Serfs (NM_001407682.1, NM_001407683.1, NM_001407681.1 and 6 more transcripts); c.1711_1714dup, p.Thr572Serfs (NM_001408451.1); c.1705_1708dup, p.Thr570Serfs (NM_001408452.1, NM_001408453.1, NM_001408454.1 and 3 more transcripts); c.5023_5026dup, p.Thr1676Serfs (NM_001407690.1, NM_001407691.1); and 76 more; short protein forms T1673fs, T1720fs, T616fs, T1741fs.
Identifiers: ClinVar variation 531299 (VCV000531299.8), dbSNP rs1555578402, ClinGen allele CA658798068.